The following is an entry in ClinVar:

NM_001184.4(ATR):c.1361del (p.Val454fs)

Gene: ATR (ATR checkpoint kinase; minus strand). Cytogenetic location: 3q23.
Variant type: Deletion.
Coding change: c.1361del on transcript NM_001184.4 (MANE Select); coding-DNA position 1361, one base deleted (T; older notation c.1361delT).
Protein change: p.Val454fs; shifts the reading frame from valine 454.
Molecular consequence: frameshift variant. On other transcripts: intron variant (1).
Genome position (GRCh38, 1-based): chr3:142,560,443, A deleted on the plus strand (T on the coding strand, the reverse complement: ATR is on the minus strand). VCF-style (leftmost placement, unchanged base first): chr3-142560442-CA-C. GRCh37 (hg19) VCF-style: chr3-142279284-CA-C.
Other names: c.1349+800del (NM_001354579.2); short protein forms V454fs.
Identifiers: ClinVar variation 835020 (VCV000835020.8), dbSNP rs2034835255, ClinGen allele CA916082610.

ClinVar aggregate classification (germline): Pathogenic (1 of 4 stars; one submission).

Submission:

Labcorp Genetics (formerly Invitae), Labcorp
Classification: Pathogenic. Last evaluated: 2019-12-15. Review status: criteria provided, single submitter. Criteria: Invitae Variant Classification Sherloc (09022015). Collection method: clinical testing. Allele origin: germline.
Comment: For these reasons, this variant has been classified as Pathogenic. Loss-of-function variants in ATR are known to be pathogenic (PMID: 21228398, 23144622). This variant has not been reported in the literature in individuals with ATR-related conditions. This variant is not present in population databases (ExAC no frequency). This sequence change creates a premature translational stop signal (p.Val454Glyfs*3) in the ATR gene. It is expected to result in an absent or disrupted protein product.

Literature cited by the submitters: PubMed 21228398; PubMed 23144622.